The following is an entry in ClinVar:

ClinVar aggregate classification (germline): Pathogenic. Review status: criteria provided, single submitter (1 of 4 stars). 2 submissions from 2 submitters: Pathogenic (1). 1 of the submissions does not count toward it. Last evaluated 2025-03-05.

Conditions:
Metaphyseal chondrodysplasia, Jansen type. Also called: Metaphyseal chondrodysplasia Murk Jansen type; PTH1R-Related Jansen Metaphyseal Chondrodysplasia. Identifiers: Orphanet 33067, MedGen C0265295, MONDO:0007982, OMIM 156400.

Submissions (2):

Labcorp Genetics (formerly Invitae), Labcorp
Classification: Pathogenic. Last evaluated: 2025-03-05. Review status: criteria provided, single submitter. Criteria: Invitae Variant Classification Sherloc (09022015). Collection method: clinical testing. Allele origin: germline.
Comment: This sequence change replaces isoleucine, which is neutral and non-polar, with arginine, which is basic and polar, at codon 458 of the PTH1R protein (p.Ile458Arg). This variant is not present in population databases (gnomAD no frequency). This missense change has been observed in individual(s) with autosomal dominant Jansen metaphyseal chondrodysplasia (PMID: 10487664). In at least one individual the variant was observed to be de novo. ClinVar contains an entry for this variant (Variation ID: 13747). Invitae Evidence Modeling of protein sequence and biophysical properties (such as structural, functional, and spatial information, amino acid conservation, physicochemical variation, residue mobility, and thermodynamic stability) indicates that this missense variant is expected to disrupt PTH1R protein function with a positive predictive value of 80%. Experimental studies have shown that this missense change affects PTH1R function (PMID: 10487664). Algorithms developed to predict the effect of sequence changes on RNA splicing suggest that this variant may create or strengthen a splice site. This variant disrupts the p.Ile458 amino acid residue in PTH1R. Other variant(s) that disrupt this residue have been determined to be pathogenic (PMID: 23950054). This suggests that this residue is clinically significant, and that variants that disrupt this residue are likely to be disease-causing. For these reasons, this variant has been classified as Pathogenic.

OMIM
Classification: Pathogenic for METAPHYSEAL CHONDRODYSPLASIA, MURK JANSEN TYPE. Last evaluated: 1996-09-05. Review status: no assertion criteria provided. Collection method: literature only. Allele origin: germline. Not counted in ClinVar's aggregate classification.

Literature cited by the submitters: PubMed 10487664 (cited by Labcorp Genetics (formerly Invitae), Labcorp); PubMed 23950054 (cited by Labcorp Genetics (formerly Invitae), Labcorp); PubMed 8703170 (cited by OMIM).

NM_000316.3(PTH1R):c.1373T>G (p.Ile458Arg)

Gene: PTH1R (parathyroid hormone 1 receptor; plus strand). Cytogenetic location: 3p21.31.
Variant type: single nucleotide variant.
Coding change: c.1373T>G on transcript NM_000316.3 (MANE Select); coding-DNA position 1373, T replaced by G.
Protein change: p.Ile458Arg; replaces isoleucine 458 with arginine.
Molecular consequence: missense variant.
Genome position (GRCh38, 1-based): chr3:46,902,768, T>G. VCF-style: chr3-46902768-T-G. GRCh37 (hg19) VCF-style: chr3-46944258-T-G.
Other names: c.1373T>G, p.Ile458Arg (NM_001184744.1); short protein forms I458R.
Identifiers: ClinVar variation 13747 (VCV000013747.2), dbSNP rs121434600, ClinGen allele CA123426.